The following is an entry in ClinVar:

ClinVar aggregate classification (germline): Pathogenic (1 of 4 stars; one submission).

Conditions:
Deficiency of hydroxymethylglutaryl-CoA lyase (HMGCLD). Also called: Defect in leucine metabolism; 3-hydroxy-3-methylglutaric aciduria; HMG-CoA LYASE DEFICIENCY; HMGCL DEFICIENCY; HYDROXYMETHYLGLUTARIC ACIDURIA. Identifiers: Orphanet 20, MedGen C1533587, MONDO:0009520, OMIM 246450.

Submission:

Labcorp Genetics (formerly Invitae), Labcorp
Classification: Pathogenic for Deficiency of hydroxymethylglutaryl-CoA lyase. Last evaluated: 2024-01-15. Review status: criteria provided, single submitter. Criteria: Invitae Variant Classification Sherloc (09022015). Collection method: clinical testing. Allele origin: germline.
Comment: This sequence change replaces lysine, which is basic and polar, with asparagine, which is neutral and polar, at codon 48 of the HMGCL protein (p.Lys48Asn). RNA analysis indicates that this missense change induces altered splicing and likely results in a shortened protein product. This variant is not present in population databases (gnomAD no frequency). This missense change has been observed in individual(s) with HMG-CoA lyase deficiency (PMID: 17459752, 19177531, 34573903). An algorithm developed to predict the effect of missense changes on protein structure and function (PolyPhen-2) suggests that this variant is likely to be disruptive. Experimental studies have shown that this missense change affects HMGCL function (PMID: 17459752). Variants that disrupt the consensus splice site are a relatively common cause of aberrant splicing (PMID: 17576681, 9536098). Studies have shown that this missense change results in skipping of exon 2, but is expected to preserve the integrity of the reading-frame (PMID: 23465862). For these reasons, this variant has been classified as Pathogenic.

Literature cited by the submitters: PubMed 17459752; PubMed 19177531; PubMed 34573903; PubMed 17576681; PubMed 9536098; PubMed 23465862.

NM_000191.3(HMGCL):c.144G>T (p.Lys48Asn)

Gene: HMGCL (3-hydroxy-3-methylglutaryl-CoA lyase; minus strand). Cytogenetic location: 1p36.11.
Variant type: single nucleotide variant.
Coding change: c.144G>T on transcript NM_000191.3 (MANE Select); coding-DNA position 144, G replaced by T.
Protein change: p.Lys48Asn; replaces lysine 48 with asparagine.
Molecular consequence: missense variant.
Genome position (GRCh38, 1-based): chr1:23,820,510, C>A on the plus strand (G>T on the coding strand, the complement: HMGCL is on the minus strand). VCF-style: chr1-23820510-C-A. GRCh37 (hg19) VCF-style: chr1-24147000-C-A.
Other names: c.144G>T, p.Lys48Asn (NM_001166059.2); short protein forms K48N.
Identifiers: ClinVar variation 2733863 (VCV002733863.3), dbSNP rs2521475979, ClinGen allele CA339030215.